The following is an entry in ClinVar:

NM_001365536.1(SCN9A):c.2653A>C (p.Met885Leu)

Genes: SCN9A (sodium voltage-gated channel alpha subunit 9; minus strand), SCN1A-AS1 (SCN1A and SCN9A antisense RNA 1; plus strand). Cytogenetic location: 2q24.3.
Variant type: single nucleotide variant.
Coding change: c.2653A>C on transcript NM_001365536.1 (MANE Select); coding-DNA position 2653, A replaced by C.
Protein change: p.Met885Leu; replaces methionine 885 with leucine.
Molecular consequence: missense variant. On other transcripts: non-coding transcript variant (1).
Genome position (GRCh38, 1-based): chr2:166,277,204, T>G on the plus strand (A>C on the coding strand, the complement: SCN9A is on the minus strand). VCF-style: chr2-166277204-T-G. GRCh37 (hg19) VCF-style: chr2-167133714-T-G.
Other names: c.2620A>C, p.Met874Leu (NM_002977.4); short protein forms M874L, M885L.
Identifiers: ClinVar variation 3758184 (VCV003758184.2).

ClinVar aggregate classification (germline): Uncertain significance (1 of 4 stars; one submission).

Conditions:
Neuropathy, hereditary sensory and autonomic, type 2A (HSAN2A). Also called: ACROOSTEOLYSIS, GIACCAI TYPE; ACROOSTEOLYSIS, NEUROGENIC; WNK1-Related HSAN2 (HSAN2A); MORVAN DISEASE; NEUROPATHY, CONGENITAL SENSORY; NEUROPATHY, HEREDITARY SENSORY RADICULAR, AUTOSOMAL RECESSIVE. Identifiers: Orphanet 970, MedGen C2752089, MONDO:0024309, OMIM 201300.
Generalized epilepsy with febrile seizures plus, type 7 (GEFSP7). Also called: GEFS+, TYPE 7. Identifiers: Orphanet 36387, MedGen C2751778, MONDO:0013470, OMIM 613863.

Submission:

Labcorp Genetics (formerly Invitae), Labcorp
Classification: Uncertain significance for Neuropathy, hereditary sensory and autonomic, type 2A; Generalized epilepsy with febrile seizures plus, type 7. Last evaluated: 2024-11-27. Review status: criteria provided, single submitter. Criteria: Invitae Variant Classification Sherloc (09022015). Collection method: clinical testing. Allele origin: germline.
Comment: This sequence change replaces methionine, which is neutral and non-polar, with leucine, which is neutral and non-polar, at codon 874 of the SCN9A protein (p.Met874Leu). This variant is not present in population databases (gnomAD no frequency). This variant has not been reported in the literature in individuals affected with SCN9A-related conditions. Invitae Evidence Modeling of protein sequence and biophysical properties (such as structural, functional, and spatial information, amino acid conservation, physicochemical variation, residue mobility, and thermodynamic stability) indicates that this missense variant is not expected to disrupt SCN9A protein function with a negative predictive value of 95%. In summary, the available evidence is currently insufficient to determine the role of this variant in disease. Therefore, it has been classified as a Variant of Uncertain Significance.